The following is an entry in ClinVar:

ClinVar aggregate classification (germline): Uncertain significance (1 of 4 stars; one submission).

Conditions:
Familial cancer of breast. Also called: hereditary breast carcinoma; BREAST CANCER, FAMILIAL; Hereditary breast cancer. Identifiers: Orphanet 227535, MedGen C0346153, MONDO:0016419, OMIM 114480. Disease mechanism: loss of function.

Submission:

Labcorp Genetics (formerly Invitae), Labcorp
Classification: Uncertain significance for Familial cancer of breast. Last evaluated: 2021-05-04. Review status: criteria provided, single submitter. Criteria: Invitae Variant Classification Sherloc (09022015). Collection method: clinical testing. Allele origin: germline.
Comment: In summary, the available evidence is currently insufficient to determine the role of this variant in disease. Therefore, it has been classified as a Variant of Uncertain Significance. Algorithms developed to predict the effect of missense changes on protein structure and function output the following: SIFT: "Tolerated"; PolyPhen-2: "Benign"; Align-GVGD: "Class C0". The leucine amino acid residue is found in multiple mammalian species, suggesting that this missense change does not adversely affect protein function. These predictions have not been confirmed by published functional studies and their clinical significance is uncertain. This variant has not been reported in the literature in individuals with PALB2-related conditions. This variant is not present in population databases (ExAC no frequency). This sequence change replaces valine with leucine at codon 635 of the PALB2 protein (p.Val635Leu). The valine residue is moderately conserved and there is a small physicochemical difference between valine and leucine.

NM_024675.4(PALB2):c.1903G>T (p.Val635Leu)

Gene: PALB2 (partner and localizer of BRCA2; minus strand). Cytogenetic location: 16p12.2.
Variant type: single nucleotide variant.
Coding change: c.1903G>T on transcript NM_024675.4 (MANE Select); coding-DNA position 1903, G replaced by T.
Protein change: p.Val635Leu; replaces valine 635 with leucine.
Molecular consequence: missense variant.
Genome position (GRCh38, 1-based): chr16:23,630,251, C>A on the plus strand (G>T on the coding strand, the complement: PALB2 is on the minus strand). VCF-style: chr16-23630251-C-A. GRCh37 (hg19) VCF-style: chr16-23641572-C-A.
Other names: short protein forms V635L.
Identifiers: ClinVar variation 1392442 (VCV001392442.9), dbSNP rs776389696, ClinGen allele CA395127570.